The following is an entry in ClinVar:

NM_020320.5(RARS2):c.670C>T (p.Gln224Ter)

Gene: RARS2 (arginyl-tRNA synthetase 2, mitochondrial; minus strand). Cytogenetic location: 6q15.
Variant type: single nucleotide variant.
Coding change: c.670C>T on transcript NM_020320.5 (MANE Select); coding-DNA position 670, C replaced by T.
Protein change: p.Gln224Ter; replaces glutamine 224 with a stop codon.
Molecular consequence: nonsense. On other transcripts: non-coding transcript variant (23).
Genome position (GRCh38, 1-based): chr6:87,530,885, G>A on the plus strand (C>T on the coding strand, the complement: RARS2 is on the minus strand). VCF-style: chr6-87530885-G-A. GRCh37 (hg19) VCF-style: chr6-88240603-G-A.
Other names: c.145C>T, p.Gln49Ter (NM_001318785.2, NM_001350506.2, NM_001350507.2 and 4 more transcripts); c.670C>T, p.Gln224Ter (NM_001350505.2); short protein forms Q224*, Q49*.
Identifiers: ClinVar variation 1073705 (VCV001073705.7), dbSNP rs2128063781, ClinGen allele CA364929653.

ClinVar aggregate classification (germline): Pathogenic (1 of 4 stars; one submission).

Submission:

Labcorp Genetics (formerly Invitae), Labcorp
Classification: Pathogenic. Last evaluated: 2020-06-20. Review status: criteria provided, single submitter. Criteria: Invitae Variant Classification Sherloc (09022015). Collection method: clinical testing. Allele origin: germline.
Comment: This sequence change creates a premature translational stop signal (p.Gln224*) in the RARS2 gene. It is expected to result in an absent or disrupted protein product. This variant is not present in population databases (ExAC no frequency). This variant has not been reported in the literature in individuals with RARS2-related conditions. Loss-of-function variants in RARS2 are known to be pathogenic (PMID: 17847012, 22569581, 26083569). For these reasons, this variant has been classified as Pathogenic.

Literature cited by the submitters: PubMed 17847012; PubMed 22569581; PubMed 26083569.